The following is an entry in ClinVar:

ClinVar aggregate classification (germline): Uncertain significance (1 of 4 stars; one submission).

Conditions:
Breast-ovarian cancer, familial, susceptibility to, 4. Identifiers: Orphanet 145, MedGen C3280345, MONDO:0013669, OMIM 614291.

Submission:

Labcorp Genetics (formerly Invitae), Labcorp
Classification: Uncertain significance for Breast-ovarian cancer, familial, susceptibility to, 4. Last evaluated: 2020-07-29. Review status: criteria provided, single submitter. Criteria: Invitae Variant Classification Sherloc (09022015). Collection method: clinical testing. Allele origin: germline.
Comment: In summary, the available evidence is currently insufficient to determine the role of this variant in disease. Therefore, it has been classified as a Variant of Uncertain Significance. Algorithms developed to predict the effect of missense changes on protein structure and function (SIFT, PolyPhen-2, Align-GVGD) all suggest that this variant is likely to be tolerated, but these predictions have not been confirmed by published functional studies and their clinical significance is uncertain. This variant has not been reported in the literature in individuals with RAD51D-related conditions. This variant is not present in population databases (ExAC no frequency). This sequence change replaces glycine with valine at codon 44 of the RAD51D protein (p.Gly44Val). The glycine residue is moderately conserved and there is a moderate physicochemical difference between glycine and valine.

NM_002878.4(RAD51D):c.131G>T (p.Gly44Val)

Genes: RAD51D (RAD51 paralog D; minus strand), RAD51L3-RFFL (RAD51L3-RFFL readthrough; minus strand). Cytogenetic location: 17q12.
Variant type: single nucleotide variant.
Coding change: c.131G>T on transcript NM_002878.4 (MANE Select); coding-DNA position 131, G replaced by T.
Protein change: p.Gly44Val; replaces glycine 44 with valine.
Molecular consequence: missense variant. On other transcripts: non-coding transcript variant (2).
Genome position (GRCh38, 1-based): chr17:35,119,124, C>A on the plus strand (G>T on the coding strand, the complement: RAD51D is on the minus strand). VCF-style: chr17-35119124-C-A. GRCh37 (hg19) VCF-style: chr17-33446143-C-A.
Other names: c.131G>T, p.Gly44Val (NM_001142571.2, NM_133629.3); short protein forms G44V.
Identifiers: ClinVar variation 1044792 (VCV001044792.8), dbSNP rs374730714, ClinGen allele CA399091795.